The following is an entry in ClinVar:

ClinVar aggregate classification (germline): Uncertain significance (1 of 4 stars; one submission).

Submission:

Labcorp Genetics (formerly Invitae), Labcorp
Classification: Uncertain significance. Last evaluated: 2025-04-19. Review status: criteria provided, single submitter. Criteria: Invitae Variant Classification Sherloc (09022015). Collection method: clinical testing. Allele origin: germline.
Comment: This sequence change replaces serine, which is neutral and polar, with leucine, which is neutral and non-polar, at codon 724 of the ADCY10 protein (p.Ser724Leu). This variant is present in population databases (rs778554541, gnomAD 0.003%). This variant has not been reported in the literature in individuals affected with ADCY10-related conditions. An algorithm developed to predict the effect of missense changes on protein structure and function outputs the following: PolyPhen-2: "Benign". The leucine amino acid residue is found in multiple mammalian species, which suggests that this missense change does not adversely affect protein function. In summary, the available evidence is currently insufficient to determine the role of this variant in disease. Therefore, it has been classified as a Variant of Uncertain Significance.

NM_018417.6(ADCY10):c.2171C>T (p.Ser724Leu)

Gene: ADCY10 (adenylate cyclase 10; minus strand). Cytogenetic location: 1q24.2.
Variant type: single nucleotide variant.
Coding change: c.2171C>T on transcript NM_018417.6 (MANE Select); coding-DNA position 2171, C replaced by T.
Protein change: p.Ser724Leu; replaces serine 724 with leucine.
Molecular consequence: missense variant.
Genome position (GRCh38, 1-based): chr1:167,856,165, G>A on the plus strand (C>T on the coding strand, the complement: ADCY10 is on the minus strand). VCF-style: chr1-167856165-G-A. GRCh37 (hg19) VCF-style: chr1-167825403-G-A.
Other names: c.1712C>T, p.Ser571Leu (NM_001167749.3); c.1895C>T, p.Ser632Leu (NM_001297772.2); short protein forms S571L, S632L, S724L.
Identifiers: ClinVar variation 4804535 (VCV004804535.1).
Genomic context (GRCh38, chr1:167,856,165, plus strand): 5'-GTCTAGACCGAGGGAATGTATGCAGATGTCGAGAGTTCAGAATAGAAAGAGGTTACTTAC[G>A]AGTCCAGTTCTTTGGAGATGCAGCTCACATTGAGGTCAAGACAGATCTTGTTGGAGATGT-3'
Protein context (NP_060887.2, residues 714-734): NVSCISKELD[Ser724Leu]YLGEGSCGIP